The following is an entry in ClinVar:

ClinVar aggregate classification (germline): Likely benign (1 of 4 stars; one submission).

Allele frequency attached by ClinVar (database versions not stated): 1000 Genomes Project 30x 0.00078; 1000 Genomes Project 0.00080; gnomAD 0.00122; gnomAD exomes 0.00126; TOPMed 0.00130.
gnomAD v4.1: 507 of 398,768 alleles (0.13%); highest among the groups gnomAD compares: Admixed American, 0.21%; 3 homozygotes.

Submission:

CeGaT Center for Human Genetics Tuebingen
Classification: Likely benign. Last evaluated: 2026-09-01. Review status: criteria provided, single submitter. Criteria: CeGaT Center For Human Genetics Tuebingen Variant Classification Criteria Version 2. Collection method: clinical testing. Allele origin: germline. Affected: yes. Observed: 16 variant alleles.
Comment: KCNQ1OT1: BS2

NM_000218.3(KCNQ1):c.1394-34090C>T

Genes: KCNQ1OT1 (KCNQ1 opposite strand/antisense transcript 1; minus strand), KCNQ1 (potassium voltage-gated channel subfamily Q member 1; plus strand). Cytogenetic location: 11p15.5.
Variant type: single nucleotide variant.
Coding change: c.1394-34090C>T on transcript NM_000218.3 (MANE Select); 34090 bases into the intron before coding-DNA position 1394, C replaced by T.
Molecular consequence: intron variant. On other transcripts: non-coding transcript variant (1).
Genome position (GRCh38, 1-based): chr11:2,627,871, C>T. VCF-style: chr11-2627871-C-T. GRCh37 (hg19) VCF-style: chr11-2649101-C-T.
Other names: c.1124-34090C>T (NM_001406837.1); c.1298-34090C>T (NM_001406836.1); c.854-34090C>T (NM_001406838.1); c.1013-34090C>T (NM_181798.2).
Identifiers: ClinVar variation 2641397 (VCV002641397.24), dbSNP rs185302501, ClinGen allele CA216365399.
Genomic context (GRCh38, chr11:2,627,871, plus strand): 5'-CACAATCACAGTTCACTGTAGCCTCAACCTCATGGGCTCAAGTGATCCTCCTGCCTCAGC[C>T]TCCTGAGTAGCTGGGACCACAGTCATGCACCCCCATGCCCAGCTAATTTTTAAAATTTTA-3'